The following is an entry in ClinVar:

ClinVar aggregate classification (germline): Uncertain significance (1 of 4 stars; one submission).

Conditions:
MOGS-congenital disorder of glycosylation. Also called: GLUCOSIDASE I DEFICIENCY; MOGS-CDG; CDG IIb; CDG 2B. Identifiers: Orphanet 79330, MedGen C1853736, MONDO:0011629, OMIM 606056.

Allele frequency attached by ClinVar (database versions not stated): gnomAD exomes 0.00003; ExAC 0.00004.
gnomAD v4.1: 26 of 1,613,970 alleles (0.0016%); highest among the groups gnomAD compares: Middle Eastern, 0.016%; no homozygotes.

Submission:

Labcorp Genetics (formerly Invitae), Labcorp
Classification: Uncertain significance for MOGS-congenital disorder of glycosylation. Last evaluated: 2021-12-01. Review status: criteria provided, single submitter. Criteria: Invitae Variant Classification Sherloc (09022015). Collection method: clinical testing. Allele origin: germline.
Comment: This sequence change replaces glycine, which is neutral and non-polar, with serine, which is neutral and polar, at codon 824 of the MOGS protein (p.Gly824Ser). This variant is present in population databases (rs778216818, gnomAD 0.006%). This variant has not been reported in the literature in individuals affected with MOGS-related conditions. Algorithms developed to predict the effect of missense changes on protein structure and function (SIFT, PolyPhen-2, Align-GVGD) all suggest that this variant is likely to be disruptive. Algorithms developed to predict the effect of sequence changes on RNA splicing suggest that this variant may create or strengthen a splice site. In summary, the available evidence is currently insufficient to determine the role of this variant in disease. Therefore, it has been classified as a Variant of Uncertain Significance.

NM_006302.3(MOGS):c.2470G>A (p.Gly824Ser)

Gene: MOGS (mannosyl-oligosaccharide glucosidase; minus strand). Cytogenetic location: 2p13.1.
Variant type: single nucleotide variant.
Coding change: c.2470G>A on transcript NM_006302.3 (MANE Select); coding-DNA position 2470, G replaced by A.
Protein change: p.Gly824Ser; replaces glycine 824 with serine.
Molecular consequence: missense variant.
Genome position (GRCh38, 1-based): chr2:74,461,319, C>T on the plus strand (G>A on the coding strand, the complement: MOGS is on the minus strand). VCF-style: chr2-74461319-C-T. GRCh37 (hg19) VCF-style: chr2-74688446-C-T.
Other names: c.2152G>A, p.Gly718Ser (NM_001146158.2); short protein forms G824S, G718S.
Identifiers: ClinVar variation 1369722 (VCV001369722.3), dbSNP rs778216818, ClinGen allele CA1724574.